The following is an entry in ClinVar:

ClinVar aggregate classification (germline): Uncertain significance (1 of 4 stars; one submission).

Conditions:
Familial temporal lobe epilepsy 7. Identifiers: Orphanet 101046, MedGen C4225327, MONDO:0014639, OMIM 616436.
Norman-Roberts syndrome (LIS2). Also called: Lissencephaly 2 (Norman-Roberts type). Identifiers: Orphanet 89844, MedGen C0796089, MONDO:0009760, OMIM 257320.

Submission:

Labcorp Genetics (formerly Invitae), Labcorp
Classification: Uncertain significance for Familial temporal lobe epilepsy 7; Norman-Roberts syndrome. Last evaluated: 2024-02-01. Review status: criteria provided, single submitter. Criteria: Invitae Variant Classification Sherloc (09022015). Collection method: clinical testing. Allele origin: germline.
Comment: This sequence change replaces leucine, which is neutral and non-polar, with phenylalanine, which is neutral and non-polar, at codon 373 of the RELN protein (p.Leu373Phe). This variant is not present in population databases (gnomAD no frequency). This variant has not been reported in the literature in individuals affected with RELN-related conditions. Advanced modeling of protein sequence and biophysical properties (such as structural, functional, and spatial information, amino acid conservation, physicochemical variation, residue mobility, and thermodynamic stability) has been performed at Invitae for this missense variant, however the output from this modeling did not meet the statistical confidence thresholds required to predict the impact of this variant on RELN protein function. In summary, the available evidence is currently insufficient to determine the role of this variant in disease. Therefore, it has been classified as a Variant of Uncertain Significance.

NM_005045.4(RELN):c.1117C>T (p.Leu373Phe)

Gene: RELN (reelin; minus strand). Cytogenetic location: 7q22.1.
Variant type: single nucleotide variant.
Coding change: c.1117C>T on transcript NM_005045.4 (MANE Select); coding-DNA position 1117, C replaced by T.
Protein change: p.Leu373Phe; replaces leucine 373 with phenylalanine.
Molecular consequence: missense variant.
Genome position (GRCh38, 1-based): chr7:103,697,879, G>A on the plus strand (C>T on the coding strand, the complement: RELN is on the minus strand). VCF-style: chr7-103697879-G-A. GRCh37 (hg19) VCF-style: chr7-103338326-G-A.
Other names: c.1117C>T, p.Leu373Phe (NM_173054.3); short protein forms L373F.
Identifiers: ClinVar variation 2943255 (VCV002943255.3), dbSNP rs1421351225, ClinGen allele CA368927442.
Genomic context (GRCh38, chr7:103,697,879, plus strand): 5'-TTAAAACAACCCAAAAACTAAAAAGAGCTCTAACCTTAACTGTAGCTCCTGGGAAGAAAA[G>A]CCAGTTGCCTGTGTCCACTGGGTCGAGACTATCTTCTAAAACGACTTGTCTGTGAGCTGA-3'
Protein context (NP_005036.2, residues 363-383): SLDPVDTGNW[Leu373Phe]FFPGATVKHS